The following is an entry in ClinVar:

NM_001161352.2(KCNMA1):c.2566G>A (p.Gly856Ser)

Genes: KCNMA1-AS1 (KCNMA1 antisense RNA 1; plus strand), KCNMA1 (potassium calcium-activated channel subfamily M alpha 1; minus strand). Cytogenetic location: 10q22.3.
Variant type: single nucleotide variant.
Coding change: c.2566G>A on transcript NM_001161352.2 (MANE Select); coding-DNA position 2566, G replaced by A.
Protein change: p.Gly856Ser; replaces glycine 856 with serine.
Molecular consequence: missense variant.
Genome position (GRCh38, 1-based): chr10:76,949,285, C>T on the plus strand (G>A on the coding strand, the complement: KCNMA1 is on the minus strand). VCF-style: chr10-76949285-C-T. GRCh37 (hg19) VCF-style: chr10-78709043-C-T.
Other names: c.2404G>A, p.Gly802Ser (NM_001014797.3, NM_001322835.2, NM_001322837.2); c.2515G>A, p.Gly839Ser (NM_001161353.2); c.2242G>A, p.Gly748Ser (NM_001271518.2); c.2401G>A, p.Gly801Ser (NM_001271519.2, NM_001322829.2, NM_001322836.2); c.2413G>A, p.Gly805Ser (NM_001322830.2); c.2392G>A, p.Gly798Ser (NM_001322832.2, NM_001410940.1, NM_002247.4); c.1939G>A, p.Gly647Ser (NM_001322838.2); c.2524G>A, p.Gly842Ser (NM_001437422.1); and 1 more; short protein forms G802S, G839S, G647S, G801S, G805S, G827S, G748S, G798S.
Identifiers: ClinVar variation 4779797 (VCV004779797.1).
Genomic context (GRCh38, chr10:76,949,285, plus strand): 5'-GCTTGAGCTCATGGTAATGAAAGTTGCTGGCACGGAGCGGCATCACCAGGTTCCGGAGGC[C>T]GATCAGGGCTGAGCTGACGTCGCCAAAGATGCAGACCACGACATGGCCACTCAGGACGGT-3'
Protein context (NP_001154824.1, residues 846-866): IFGDVSSALI[Gly856Ser]LRNLVMPLRA

ClinVar aggregate classification (germline): Uncertain significance (1 of 4 stars; one submission).

Conditions:
Generalized epilepsy-paroxysmal dyskinesia syndrome (PNKD3). Also called: Generalized epilepsy and paroxysmal dyskinesia; Paroxysmal nonkinesigenic dyskinesia, 3, with or without generalized epilepsy. Identifiers: Orphanet 79137, MedGen C5574945, MONDO:0012276, OMIM 609446.

gnomAD v4.1: 5 of 1,613,936 alleles (0.00031%); highest among the groups gnomAD compares: Non-Finnish European, 0.00034%; no homozygotes.

Submission:

Labcorp Genetics (formerly Invitae), Labcorp
Classification: Uncertain significance for Generalized epilepsy-paroxysmal dyskinesia syndrome. Last evaluated: 2025-03-17. Review status: criteria provided, single submitter. Criteria: Invitae Variant Classification Sherloc (09022015). Collection method: clinical testing. Allele origin: germline.
Comment: This sequence change replaces glycine, which is neutral and non-polar, with serine, which is neutral and polar, at codon 798 of the KCNMA1 protein (p.Gly798Ser). This variant is present in population databases (no rsID available, gnomAD 0.002%). This variant has not been reported in the literature in individuals affected with KCNMA1-related conditions. Invitae Evidence Modeling of protein sequence and biophysical properties (such as structural, functional, and spatial information, amino acid conservation, physicochemical variation, residue mobility, and thermodynamic stability) indicates that this missense variant is expected to disrupt KCNMA1 protein function with a positive predictive value of 80%. In summary, the available evidence is currently insufficient to determine the role of this variant in disease. Therefore, it has been classified as a Variant of Uncertain Significance.